The following is an entry in ClinVar:

NM_018062.4(FANCL):c.64A>T (p.Lys22Ter)

Gene: FANCL (FA complementation group L; minus strand). Cytogenetic location: 2p16.1.
Variant type: single nucleotide variant.
Coding change: c.64A>T on transcript NM_018062.4 (MANE Select); coding-DNA position 64, A replaced by T.
Protein change: p.Lys22Ter; replaces lysine 22 with a stop codon.
Molecular consequence: nonsense.
Genome position (GRCh38, 1-based): chr2:58,241,250, T>A on the plus strand (A>T on the coding strand, the complement: FANCL is on the minus strand). VCF-style: chr2-58241250-T-A. GRCh37 (hg19) VCF-style: chr2-58468385-T-A.
Other names: c.64A>T, p.Lys22Ter (NM_001114636.2, NM_001374615.1, NM_001410792.1); short protein forms K22*.
Identifiers: ClinVar variation 2675673 (VCV002675673.2), dbSNP rs756420413, ClinGen allele CA1670823.

ClinVar aggregate classification (germline): Pathogenic/Likely pathogenic. Review status: criteria provided, multiple submitters, no conflicts (2 of 4 stars). 2 submissions from 2 submitters: Pathogenic (1); Likely pathogenic (1). Last evaluated 2026-01-24.

Conditions:
Fanconi anemia (FA). Also called: Fanconi's anemia. Identifiers: Orphanet 84, MedGen C0015625, MeSH D005199, MONDO:0019391.
Fanconi anemia complementation group L (FANCL). Also called: FANCL-Related Fanconi Anemia. Identifiers: Orphanet 84, MedGen C3469528, MONDO:0013566, OMIM 614083.

Allele frequency attached by ClinVar (database versions not stated): ExAC 0.00001.
gnomAD v4.1: 1 of 1,614,242 alleles (0.000062%); highest among the groups gnomAD compares: Non-Finnish European, 0.000085%; no homozygotes.

Submissions (2):

Labcorp Genetics (formerly Invitae), Labcorp
Classification: Pathogenic for Fanconi anemia. Last evaluated: 2026-01-24. Review status: criteria provided, single submitter. Criteria: Invitae Variant Classification Sherloc (09022015). Collection method: clinical testing. Allele origin: germline.
Comment: This sequence change creates a premature translational stop signal (p.Lys22*) in the FANCL gene. It is expected to result in an absent or disrupted protein product. Loss-of-function variants in FANCL are known to be pathogenic (PMID: 19405097, 23613520). This variant is present in population databases (rs756420413, gnomAD 0.0009%). This variant has not been reported in the literature in individuals affected with FANCL-related conditions. ClinVar contains an entry for this variant (Variation ID: 2675673). For these reasons, this variant has been classified as Pathogenic.

Baylor Genetics
Classification: Likely pathogenic for Fanconi anemia complementation group L. Last evaluated: 2022-12-19. Review status: criteria provided, single submitter. Criteria: ACMG Guidelines, 2015. Collection method: clinical testing. Allele origin: unknown.

Literature cited by the submitters: PubMed 19405097 (cited by Labcorp Genetics (formerly Invitae), Labcorp); PubMed 23613520 (cited by Labcorp Genetics (formerly Invitae), Labcorp).